The following is an entry in ClinVar:

NM_004525.3(LRP2):c.10328C>A (p.Thr3443Lys)

Gene: LRP2 (LDL receptor related protein 2; minus strand). Cytogenetic location: 2q31.1.
Variant type: single nucleotide variant.
Coding change: c.10328C>A on transcript NM_004525.3 (MANE Select); coding-DNA position 10328, C replaced by A.
Protein change: p.Thr3443Lys; replaces threonine 3443 with lysine.
Molecular consequence: missense variant.
Genome position (GRCh38, 1-based): chr2:169,177,868, G>T on the plus strand (C>A on the coding strand, the complement: LRP2 is on the minus strand). VCF-style: chr2-169177868-G-T. GRCh37 (hg19) VCF-style: chr2-170034378-G-T.
Other names: short protein forms T3443K.
Identifiers: ClinVar variation 1479876 (VCV001479876.8), dbSNP rs373743025, ClinGen allele CA349149002.

ClinVar aggregate classification (germline): Uncertain significance (1 of 4 stars; one submission).

Submission:

Labcorp Genetics (formerly Invitae), Labcorp
Classification: Uncertain significance. Last evaluated: 2022-09-13. Review status: criteria provided, single submitter. Criteria: Invitae Variant Classification Sherloc (09022015). Collection method: clinical testing. Allele origin: germline.
Comment: Advanced modeling of protein sequence and biophysical properties (such as structural, functional, and spatial information, amino acid conservation, physicochemical variation, residue mobility, and thermodynamic stability) performed at Invitae indicates that this missense variant is not expected to disrupt LRP2 protein function. In summary, the available evidence is currently insufficient to determine the role of this variant in disease. Therefore, it has been classified as a Variant of Uncertain Significance. ClinVar contains an entry for this variant (Variation ID: 1479876). This variant has not been reported in the literature in individuals affected with LRP2-related conditions. This variant is not present in population databases (gnomAD no frequency). This sequence change replaces threonine, which is neutral and polar, with lysine, which is basic and polar, at codon 3443 of the LRP2 protein (p.Thr3443Lys).